The following is an entry in ClinVar:

ClinVar aggregate classification (germline): Benign. Review status: criteria provided, multiple submitters, no conflicts (2 of 4 stars). 17 submissions from 16 submitters: Benign (11). 6 of the submissions do not count toward it. Last evaluated 2026-02-04.

Conditions:
Retinitis pigmentosa 73 (RP73). Identifiers: Orphanet 791, MedGen C4225287, MONDO:0014687, OMIM 616544.
Mucopolysaccharidosis, MPS-III-C (MPS3C). Also called: Mucopolysaccharidosis type IIIC (Sanfilippo C); SANFILIPPO SYNDROME C; MUCOPOLYSACCHARIDOSIS, TYPE IIIC; mucopolysaccharidosis type 3C; MPS IIIC (Sanfilippo Syndrome Type C); MPS III C. Identifiers: Orphanet 581, Orphanet 79271, MedGen C0086649, MONDO:0009657, OMIM 252930.

Allele frequency attached by ClinVar (database versions not stated): TOPMed 0.99003; gnomAD 0.99080 and 0.99137; 1000 Genomes Project 30x 0.99110; gnomAD exomes 0.99913 and 0.99784; ExAC 0.99740; ESP Exome Variant Server 0.99066; 1000 Genomes Project 0.99161.
gnomAD v4.1: 1,599,734 of 1,602,358 alleles (100%); highest among the groups gnomAD compares: East Asian, 100%; 798,587 homozygotes.

Submissions (17):

Labcorp Genetics (formerly Invitae), Labcorp
Classification: Benign for Retinitis pigmentosa 73; Mucopolysaccharidosis, MPS-III-C. Last evaluated: 2026-02-04. Review status: criteria provided, single submitter. Criteria: Invitae Variant Classification Sherloc (09022015). Collection method: clinical testing. Allele origin: germline.

Blueprint Genetics
Classification: Benign. Last evaluated: 2024-11-27. Review status: criteria provided, single submitter. Criteria: ACMG Guidelines, 2015. Collection method: clinical testing. Allele origin: germline.

Genome-Nilou Lab
Classification: Benign for Mucopolysaccharidosis, MPS-III-C. Last evaluated: 2021-07-01. Review status: criteria provided, single submitter. Criteria: ACMG Guidelines, 2015. Collection method: clinical testing. Allele origin: germline. Affected: no.

Genome-Nilou Lab
Classification: Benign for Retinitis pigmentosa 73. Last evaluated: 2021-07-01. Review status: criteria provided, single submitter. Criteria: ACMG Guidelines, 2015. Collection method: clinical testing. Allele origin: germline. Affected: no.

Illumina Laboratory Services, Illumina
Classification: Benign for Mucopolysaccharidosis, MPS-III-C. Last evaluated: 2018-01-13. Review status: criteria provided, single submitter. Criteria: ICSL Variant Classification Criteria 13 December 2019. Collection method: clinical testing. Allele origin: germline.
Comment: This variant was observed in the ICSL laboratory as part of a predisposition screen in an ostensibly healthy population. It had not been previously curated by ICSL or reported in the Human Gene Mutation Database (HGMD: prior to June 1st, 2018), and was therefore a candidate for classification through an automated scoring system. Utilizing variant allele frequency, disease prevalence and penetrance estimates, and inheritance mode, an automated score was calculated to assess if this variant is too frequent to cause the disease. Based on the score and internal cut-off values, a variant classified as benign is not then subjected to further curation. The score for this variant resulted in a classification of benign for this disease.

Women's Health and Genetics/Laboratory Corporation of America, LabCorp
Classification: Benign. Last evaluated: 2016-12-04. Review status: criteria provided, single submitter. Criteria: LabCorp Variant Classification Summary - May 2015. Collection method: clinical testing. Allele origin: germline.
Comment: Variant summary: The c.1749T>C (p.Tyr583=) in HGSNAT gene is a synonymous change that involves a non-conserved nucleotide. 5/5 programs in Alamut predict that this variant does not affect a normal splicing, however no functional studies supporting this notion were published at the time of evaluation. The variant is present in the control population dataset of ExAC at frequency of 0.997 (104926/105200 chrs tested), indicating that it is an ancestral allele. The observed frequency exceeds the maximum expected allele frequency for a pathogenic HGSNAT variant of 0.001 suggesting that it is a benign polymorphism. The variant of interest has been reported as Benign by a reputable database/clinical laboratory. Taking together, based on the prevalence in general population the variant was classified as Benign.

Genome Diagnostics Laboratory, University Medical Center Utrecht
Classification: Benign for Mucopolysaccharidosis, MPS-III-C. Last evaluated: 2016-05-25. Review status: criteria provided, single submitter. Criteria: ACGS Guidelines, 2013. Collection method: clinical testing. Allele origin: germline. Affected: yes. Study: VKGL Data-share Consensus.

GeneDx
Classification: Benign. Last evaluated: 2015-03-03. Review status: criteria provided, single submitter. Criteria: GeneDx Variant Classification Process June 2021. Collection method: clinical testing. Allele origin: germline. Affected: yes.

Eurofins Ntd Llc (ga)
Classification: Benign. Last evaluated: 2013-10-23. Review status: criteria provided, single submitter. Criteria: EGL Classification Definitions 2015. Collection method: clinical testing. Allele origin: germline. Observed: 46 variant alleles, 2 heterozygotes, 44 homozygotes.

Breakthrough Genomics
Classification: Benign. Review status: criteria provided, single submitter. Criteria: ACMG Guidelines, 2015. Collection method: not provided. Allele origin: germline. Inheritance: Autosomal recessive inheritance. Affected: yes.

PreventionGenetics, part of Exact Sciences
Classification: Benign. Review status: criteria provided, single submitter. Criteria: ACMG Guidelines, 2015. Collection method: clinical testing. Allele origin: germline.

Natera, Inc.
Classification: Benign for Mucopolysaccharidosis type IIIC. Last evaluated: 2020-09-16. Review status: no assertion criteria provided. Collection method: clinical testing. Allele origin: germline. Not counted in ClinVar's aggregate classification.

Mayo Clinic Laboratories, Mayo Clinic
Classification: Benign. Last evaluated: 2015-10-23. Review status: no assertion criteria provided. Collection method: clinical testing. Allele origin: unknown. Not counted in ClinVar's aggregate classification.

Clinical Genetics DNA and cytogenetics Diagnostics Lab, Erasmus MC, Erasmus Medical Center
Classification: Benign. Review status: no assertion criteria provided. Collection method: clinical testing. Allele origin: germline. Affected: yes. Study: VKGL Data-share Consensus. Not counted in ClinVar's aggregate classification.

Clinical Genetics, Academic Medical Center
Classification: Benign. Review status: no assertion criteria provided. Collection method: clinical testing. Allele origin: germline. Affected: yes. Study: VKGL Data-share Consensus. Not counted in ClinVar's aggregate classification.

Diagnostic Laboratory, Department of Genetics, University Medical Center Groningen
Classification: Benign for Mucopolysaccharidosis, MPS-III-C. Review status: no assertion criteria provided. Collection method: clinical testing. Allele origin: germline. Affected: yes. Study: VKGL Data-share Consensus. Not counted in ClinVar's aggregate classification.

Joint Genome Diagnostic Labs from Nijmegen and Maastricht, Radboudumc and MUMC+
Classification: Benign. Review status: no assertion criteria provided. Collection method: clinical testing. Allele origin: germline. Affected: yes. Study: VKGL Data-share Consensus. Not counted in ClinVar's aggregate classification.

NM_152419.3(HGSNAT):c.1749T>C (p.Tyr583=)

Gene: HGSNAT (heparan-alpha-glucosaminide N-acetyltransferase; plus strand). Cytogenetic location: 8p11.21.
Variant type: single nucleotide variant.
Coding change: c.1749T>C on transcript NM_152419.3 (MANE Select); coding-DNA position 1749, T replaced by C.
Protein change: p.Tyr583=; no amino-acid change (tyrosine 583 retained).
Molecular consequence: synonymous variant.
Genome position (GRCh38, 1-based): chr8:43,199,410, T>C. VCF-style: chr8-43199410-T-C. GRCh37 (hg19) VCF-style: chr8-43054553-T-C.
Other names: c.1836T>C, p.Tyr612= (NM_001363227.2); c.1557T>C, p.Tyr519= (NM_001363228.2); c.885T>C, p.Tyr295= (NM_001363229.2).
Identifiers: ClinVar variation 96503 (VCV000096503.30), dbSNP rs1126058, ClinGen allele CA149560.